The following is an entry in ClinVar:

NM_001145715.3(KPNA7):c.314C>T (p.Pro105Leu)

Gene: KPNA7 (karyopherin subunit alpha 7; minus strand). Cytogenetic location: 7q22.1.
Variant type: single nucleotide variant.
Coding change: c.314C>T on transcript NM_001145715.3 (MANE Select); coding-DNA position 314, C replaced by T.
Protein change: p.Pro105Leu; replaces proline 105 with leucine.
Molecular consequence: missense variant.
Genome position (GRCh38, 1-based): chr7:99,195,309, G>A on the plus strand (C>T on the coding strand, the complement: KPNA7 is on the minus strand). VCF-style: chr7-99195309-G-A. GRCh37 (hg19) VCF-style: chr7-98792932-G-A.
Other names: c.314C>T (NM_001145715.1); short protein forms P105L.
Identifiers: ClinVar variation 1015518 (VCV001015518.9), dbSNP rs993135797, ClinGen allele CA163746638.

ClinVar aggregate classification (germline): Uncertain significance. Review status: criteria provided, multiple submitters, no conflicts (2 of 4 stars). 2 submissions from 2 submitters: Uncertain significance (2). Last evaluated 2024-09-26.

Allele frequency attached by ClinVar (database versions not stated): gnomAD exomes 0.00001 and 0.00002; gnomAD 0.00009 and 0.00010; TOPMed 0.00011; 1000 Genomes Project 30x 0.00016.
gnomAD v4.1: 30 of 1,551,620 alleles (0.0019%); highest among the groups gnomAD compares: African/African-American, 0.025%; no homozygotes.

Submissions (2):

Ambry Genetics
Classification: Uncertain significance. Last evaluated: 2024-09-26. Review status: criteria provided, single submitter. Criteria: Ambry Variant Classification Scheme 2023. Collection method: clinical testing. Allele origin: germline.

Labcorp Genetics (formerly Invitae), Labcorp
Classification: Uncertain significance. Last evaluated: 2022-07-23. Review status: criteria provided, single submitter. Criteria: Invitae Variant Classification Sherloc (09022015). Collection method: clinical testing. Allele origin: germline.
Comment: This sequence change replaces proline, which is neutral and non-polar, with leucine, which is neutral and non-polar, at codon 105 of the KPNA7 protein (p.Pro105Leu). This variant is present in population databases (no rsID available, gnomAD 0.01%). This variant has not been reported in the literature in individuals affected with KPNA7-related conditions. ClinVar contains an entry for this variant (Variation ID: 1015518). Algorithms developed to predict the effect of missense changes on protein structure and function (SIFT, PolyPhen-2, Align-GVGD) all suggest that this variant is likely to be disruptive. In summary, the available evidence is currently insufficient to determine the role of this variant in disease. Therefore, it has been classified as a Variant of Uncertain Significance.